The following is an entry in ClinVar:

ClinVar aggregate classification (germline): Conflicting classifications of pathogenicity. Review status: criteria provided, conflicting classifications (1 of 4 stars). 7 submissions from 7 submitters: Likely pathogenic (3); Uncertain significance (3). 1 of the submissions does not count toward it. Last evaluated 2025-01-15.

Conditions:
Fanconi anemia complementation group U. Identifiers: MedGen C4310651, MONDO:0014987, OMIM 617247.
Spermatogenic failure 50. Also called: Spermatogenic failures 50. Identifiers: MedGen C5436888, MONDO:0030869, OMIM 619145.
Premature ovarian failure 17. Identifiers: MedGen C5436889, MONDO:0030870, OMIM 619146.
Hereditary cancer-predisposing syndrome. Also called: Hereditary neoplastic syndrome; Tumor predisposition; Neoplastic Syndromes, Hereditary; Hereditary Cancer Syndrome. Identifiers: Orphanet 140162, MedGen C0027672, MeSH D009386, MONDO:0015356.

Submissions (7):

Ambry Genetics
Classification: Likely pathogenic for Hereditary cancer-predisposing syndrome. Last evaluated: 2025-01-15. Review status: criteria provided, single submitter. Criteria: Ambry Variant Classification Scheme 2023. Collection method: clinical testing. Allele origin: germline.
Comment: The c.651_652delTG variant, located in coding exon 3 of the XRCC2 gene, results from a deletion of two nucleotides at nucleotide positions 651 to 652, causing a translational frameshift with a predicted alternate stop codon (p.C217*). This frameshift occurs at the 3' terminus of XRCC2, is not expected to trigger nonsense-mediated mRNA decay, and impacts the last 64 amino acids of the protein. However, premature stop codons are typically deleterious in nature and a significant portion of the protein is affected (Ambry internal data). Functional studies using c-DNA complementation assays demonstrate that this alteration results in a partial loss (31% of wildtype) of ability to restore XRCC2 deficiency (Hilbers FS et al. Hum. Mutat., 2016 Sep;37:914-25). In addition, p.C217* has been reported in multiple hereditary breast and/or ovarian cancer cohorts, including individuals with early-onset breast cancer and male breast cancer (Park DJ et al. Am. J. Hum. Genet., 2012 Apr;90:734-9; Young E et al. J. Med. Genet. 2016 06;53(6):366-76; Golmard L et al. Eur. J. Hum. Genet. 2017 12;25(12):1345-1353; Thompson E et al. J. Clin. Oncol. 2016 May;34(13):1455-9). This variant is considered to be rare based on population cohorts in the Genome Aggregation Database (gnomAD). Based on the majority of evidence to date, this alteration is interpreted as likely pathogenic.

Labcorp Genetics (formerly Invitae), Labcorp
Classification: Uncertain significance. Last evaluated: 2024-12-27. Review status: criteria provided, single submitter. Criteria: Invitae Variant Classification Sherloc (09022015). Collection method: clinical testing. Allele origin: germline.
Comment: This sequence change creates a premature translational stop signal (p.Cys217*) in the XRCC2 gene. While this is not anticipated to result in nonsense mediated decay, it is expected to disrupt the last 64 amino acid(s) of the XRCC2 protein. The frequency data for this variant in the population databases is considered unreliable, as metrics indicate poor data quality at this position in the gnomAD database. This premature translational stop signal has been observed in individual(s) with a personal and/or family history of breast cancer or ovarian cancer (PMID: 22464251, 26786923, 29255180). ClinVar contains an entry for this variant (Variation ID: 420029). Algorithms developed to predict the effect of variants on gene product structure and function are not available or were not evaluated for this variant. Experimental studies have shown that this premature translational stop signal affects XRCC2 function (PMID: 27233470). In summary, the available evidence is currently insufficient to determine the role of this variant in disease. Therefore, it has been classified as a Variant of Uncertain Significance.

Fulgent Genetics
Classification: Likely pathogenic for Fanconi anemia complementation group U; Spermatogenic failure 50; Premature ovarian failure 17. Last evaluated: 2024-02-27. Review status: criteria provided, single submitter. Criteria: ACMG Guidelines, 2015. Collection method: clinical testing. Allele origin: germline.

Quest Diagnostics Nichols Institute San Juan Capistrano
Classification: Likely pathogenic. Last evaluated: 2023-06-20. Review status: criteria provided, single submitter. Criteria: Quest Diagnostics criteria. Collection method: clinical testing. Allele origin: unknown.
Comment: The XRCC2 c.651_652del (p.Cys217*) variant is predicted to cause the premature termination of XRCC2 protein synthesis, however due to the position of the variant, it is not expected to result in nonsense mediated decay. This variant has been reported in the published literature in individuals with a personal or family history of breast and/or ovarian cancer (PMIDs: 29255180 (2017), 26786923 (2016), 22464251 (2012)) and Fanconi Anemia (PMID: 31980526 (2020)), as well as healthy individuals (PMID: 22464251 (2012)). The frequency of this variant in the general population, 0.000039 (5/129152 chromosomes (Genome Aggregation Database)), is uninformative in the assessment of its pathogenicity. Based on the available information, this variant is classified as likely pathogenic.

Revvity Omics, Revvity
Classification: Uncertain significance. Last evaluated: 2019-08-15. Review status: criteria provided, single submitter. Criteria: ACMG Guidelines, 2015. Collection method: clinical testing. Allele origin: germline.

GeneDx
Classification: Uncertain significance. Last evaluated: 2017-07-13. Review status: criteria provided, single submitter. Criteria: GeneDx Variant Classification (06012015). Collection method: clinical testing. Allele origin: germline. Affected: yes.
Comment: This deletion of 2 nucleotides is denoted XRCC2 c.651_652delTG at the cDNA level and p.Cys217Ter (C217X) at the protein level. The normal sequence, with the bases that are deleted in brackets, is TGTG[delTG]ATGT. The deletion creates a nonsense variant, which changes a Cysteine to a premature stop codon. Due to the position of the variant, XRCC2 Cys217Ter is not expected to undergo nonsense-mediated decay, but results in the loss of 64 amino acids at the end of the protein which might cause loss of normal protein function through protein truncation. The disrupted region at the end of the gene is not within any known functional domain (OÂ’Regan 2001, Miller 2004). XRCC2 Cys217Ter has been reported in at least two individuals with a personal history of breast cancer; however, one of these individuals was also found to harbor a truncating variant in BRCA1 (Park 2012). This variant was shown to retain some homologous recombination activity in an in vitro functional assay (Hilbers 2016). Based on currently available information, it is unclear whether this deletion is a pathogenic or benign variant. We consider it to be a variant of uncertain significance.

Leiden Open Variation Database
Classification: Uncertain significance. Last evaluated: 2012-05-02. Review status: no assertion criteria provided. Collection method: curation. Allele origin: germline. Affected: yes. Not counted in ClinVar's aggregate classification.
Comment: Curator: Arleen D. Auerbach. Submitter to LOVD: Johan den Dunnen.

Literature cited by the submitters: PubMed 22464251 (cited by 4 submitters); PubMed 27233470 (cited by 3 submitters); PubMed 26786923 (cited by Labcorp Genetics (formerly Invitae), Labcorp and Quest Diagnostics Nichols Institute San Juan Capistrano); PubMed 29255180 (cited by Labcorp Genetics (formerly Invitae), Labcorp and Quest Diagnostics Nichols Institute San Juan Capistrano); PubMed 31980526 (cited by Quest Diagnostics Nichols Institute San Juan Capistrano).

NM_005431.2(XRCC2):c.651_652del (p.Cys217_Asp218delinsTer)

Gene: XRCC2 (X-ray repair cross complementing 2; minus strand). Cytogenetic location: 7q36.1.
Variant type: Microsatellite.
Coding change: c.651_652del on transcript NM_005431.2 (MANE Select); coding-DNA positions 651 to 652, 2 bases deleted (TG; older notation c.651_652delTG).
Protein change: p.Cys217_Asp218delinsTer.
Molecular consequence: nonsense.
Genome position (GRCh38, 1-based): chr7:152,648,833-152,648,834, CA deleted on the plus strand (TG on the coding strand, the reverse complement: XRCC2 is on the minus strand); deleting any 2 consecutive bases within chr7:152,648,833-152,648,838 gives the same sequence; the c. name uses the placement nearest the transcript's 3' end. VCF-style (leftmost placement, unchanged base first): chr7-152648832-TCA-T. GRCh37 (hg19) VCF-style: chr7-152345917-TCA-T.
Other names: c.651_652del (NM_005431.1).
Identifiers: ClinVar variation 420029 (VCV000420029.21), dbSNP rs746142129, ClinGen allele CA16618428.